The following is an entry in ClinVar:

NM_024426.6(WT1):c.838G>A (p.Asp280Asn)

Gene: WT1 (WT1 transcription factor; minus strand). Cytogenetic location: 11p13.
Variant type: single nucleotide variant.
Coding change: c.838G>A on transcript NM_024426.6 (MANE Select); coding-DNA position 838, G replaced by A.
Protein change: p.Asp280Asn; replaces aspartic acid 280 with asparagine.
Molecular consequence: missense variant. On other transcripts: non-coding transcript variant (2).
Genome position (GRCh38, 1-based): chr11:32,428,005, C>T on the plus strand (G>A on the coding strand, the complement: WT1 is on the minus strand). VCF-style: chr11-32428005-C-T. GRCh37 (hg19) VCF-style: chr11-32449551-C-T.
Other names: c.838G>A, p.Asp280Asn (NM_000378.6, NM_001407044.1, NM_001407045.1 and 4 more transcripts); c.187G>A, p.Asp63Asn (NM_001198551.2, NM_001198552.2); c.715G>A, p.Asp239Asn (NM_001407047.1, NM_001407050.1); c.76G>A, p.Asp26Asn (NM_001407051.1); c.619G>A, p.Asp207Asn (NM_001429031.1, NM_001429032.1, NM_001429033.1 and 1 more transcripts); short protein forms D275N, D207N, D239N, D26N, D280N, D63N.
Identifiers: ClinVar variation 3817445 (VCV003817445.1).

ClinVar aggregate classification (germline): Uncertain significance (1 of 4 stars; one submission).

Conditions:
Inborn genetic diseases. Identifiers: MedGen C0950123, MeSH D030342.

Submission:

Ambry Genetics
Classification: Uncertain significance for Inborn genetic diseases. Last evaluated: 2024-12-12. Review status: criteria provided, single submitter. Criteria: Ambry Variant Classification Scheme 2023. Collection method: clinical testing. Allele origin: germline.
Comment: The p.D275N variant (also known as c.823G>A), located in coding exon 3 of the WT1 gene, results from a G to A substitution at nucleotide position 823. The aspartic acid at codon 275 is replaced by asparagine, an amino acid with highly similar properties. This amino acid position is conserved. In addition, this alteration is predicted to be tolerated by in silico analysis. Based on the available evidence, the clinical significance of this variant remains unclear.